The following is an entry in ClinVar:

NM_001365276.2(TNXB):c.1669C>A (p.Arg557Ser)

Gene: TNXB (tenascin XB; minus strand). Cytogenetic location: 6p21.33.
Variant type: single nucleotide variant.
Coding change: c.1669C>A on transcript NM_001365276.2 (MANE Select); coding-DNA position 1669, C replaced by A.
Protein change: p.Arg557Ser; replaces arginine 557 with serine.
Molecular consequence: missense variant.
Genome position (GRCh38, 1-based): chr6:32,096,184, G>T on the plus strand (C>A on the coding strand, the complement: TNXB is on the minus strand). VCF-style: chr6-32096184-G-T. GRCh37 (hg19) VCF-style: chr6-32063961-G-T.
Other names: c.1669C>A, p.Arg557Ser (NM_001428335.1, NM_019105.8); short protein forms R557S.
Identifiers: ClinVar variation 4865842 (VCV004865842.1).

ClinVar aggregate classification (germline): Uncertain significance (1 of 4 stars; one submission).

Conditions:
Cardiovascular phenotype. Identifiers: MedGen CN230736.

gnomAD v4.1: 1 of 1,568,506 alleles (0.000064%); highest among the groups gnomAD compares: South Asian, 0.0012%; no homozygotes.

Submission:

Ambry Genetics
Classification: Uncertain significance for Cardiovascular phenotype. Last evaluated: 2026-06-01. Review status: criteria provided, single submitter. Criteria: Ambry Variant Classification Scheme 2023. Collection method: clinical testing. Allele origin: germline.
Comment: The p.R557S variant (also known as c.1669C>A), located in coding exon 2 of the TNXB gene, results from a C to A substitution at nucleotide position 1669. The arginine at codon 557 is replaced by serine, an amino acid with dissimilar properties. This amino acid position is conserved. In addition, this alteration is predicted to be tolerated by in silico analysis. Based on the available evidence, the clinical significance of this variant remains unclear.